The following is an entry in ClinVar:

NM_016239.4(MYO15A):c.4320+1G>T

Gene: MYO15A (myosin XVA; plus strand). Cytogenetic location: 17p11.2.
Variant type: single nucleotide variant.
Coding change: c.4320+1G>T on transcript NM_016239.4 (MANE Select); the canonical splice donor site of the intron after coding-DNA position 4320, G replaced by T.
Molecular consequence: splice donor variant.
Genome position (GRCh38, 1-based): chr17:18,132,567, G>T. VCF-style: chr17-18132567-G-T. GRCh37 (hg19) VCF-style: chr17-18035881-G-T.
Identifiers: ClinVar variation 4716694 (VCV004716694.1).
Genomic context (GRCh38, chr17:18,132,567, plus strand): 5'-GCCCAGCTCAGGCAGGCCTTTAGCCTGCAAGAGGCTGAGACCTACTACTATCTGAACCAG[G>T]TGAGTGCCAGCAGGCATCTGAAGGCCCCTGGCCCTGGTCCTCCCACCCCGACGCCCCTGG-3'

ClinVar aggregate classification (germline): Pathogenic (1 of 4 stars; one submission).

Submission:

Labcorp Genetics (formerly Invitae), Labcorp
Classification: Pathogenic. Last evaluated: 2025-04-29. Review status: criteria provided, single submitter. Criteria: Invitae Variant Classification Sherloc (09022015). Collection method: clinical testing. Allele origin: germline.
Comment: This sequence change affects a donor splice site in intron 11 of the MYO15A gene. It is expected to disrupt RNA splicing. Variants that disrupt the donor or acceptor splice site typically lead to a loss of protein function (PMID: 16199547), and loss-of-function variants in MYO15A are known to be pathogenic (PMID: 17546645). This variant is not present in population databases (gnomAD no frequency). Disruption of this splice site has been observed in individual(s) with deafness (PMID: 23865914). It has also been observed to segregate with disease in related individuals. Algorithms developed to predict the effect of sequence changes on RNA splicing suggest that this variant may disrupt the consensus splice site. For these reasons, this variant has been classified as Pathogenic.

Literature cited by the submitters: PubMed 16199547; PubMed 17546645; PubMed 23865914.